The following is an entry in ClinVar:

ClinVar aggregate classification (germline): Uncertain significance (1 of 4 stars; one submission).

Conditions:
Hereditary spastic paraplegia 4. Also called: Familial spastic paraplegia autosomal dominant 2; Spastic paraplegia 4, autosomal dominant; Spastic Paraplegia 4. Identifiers: Orphanet 100985, MedGen C1866855, MONDO:0008438, OMIM 182601.

Submission:

Labcorp Genetics (formerly Invitae), Labcorp
Classification: Uncertain significance for Hereditary spastic paraplegia 4. Last evaluated: 2018-02-12. Review status: criteria provided, single submitter. Criteria: Invitae Variant Classification Sherloc (09022015). Collection method: clinical testing. Allele origin: germline.
Comment: In summary, the available evidence is currently insufficient to determine the role of this variant in disease. Therefore, it has been classified as a Variant of Uncertain Significance. Algorithms developed to predict the effect of missense changes on protein structure and function (SIFT, PolyPhen-2, Align-GVGD) all suggest that this variant is likely to be disruptive, but these predictions have not been confirmed by published functional studies and their clinical significance is uncertain. This variant has not been reported in the literature in individuals with SPAST-related disease. This variant is not present in population databases (ExAC no frequency). This sequence change replaces lysine with threonine at codon 502 of the SPAST protein (p.Lys502Thr). The lysine residue is highly conserved and there is a moderate physicochemical difference between lysine and threonine.

NM_014946.4(SPAST):c.1505A>C (p.Lys502Thr)

Gene: SPAST (spastin; plus strand). Cytogenetic location: 2p22.3.
Variant type: single nucleotide variant.
Coding change: c.1505A>C on transcript NM_014946.4 (MANE Select); coding-DNA position 1505, A replaced by C.
Protein change: p.Lys502Thr; replaces lysine 502 with threonine.
Molecular consequence: missense variant.
Genome position (GRCh38, 1-based): chr2:32,141,915, A>C. VCF-style: chr2-32141915-A-C. GRCh37 (hg19) VCF-style: chr2-32366984-A-C.
Other names: c.1502A>C, p.Lys501Thr (NM_001363823.2); c.1406A>C, p.Lys469Thr (NM_001363875.2); c.1409A>C, p.Lys470Thr (NM_001377959.1, NM_199436.2); short protein forms K502T, K469T, K470T, K501T.
Identifiers: ClinVar variation 579177 (VCV000579177.8), dbSNP rs1558339891, ClinGen allele CA346502858.